The following is an entry in ClinVar:

NM_001130009.3(GEN1):c.1883T>A (p.Ile628Asn)

Gene: GEN1 (GEN1 Holliday junction 5' flap endonuclease; plus strand). Cytogenetic location: 2p24.2.
Variant type: single nucleotide variant.
Coding change: c.1883T>A on transcript NM_001130009.3 (MANE Select); coding-DNA position 1883, T replaced by A.
Protein change: p.Ile628Asn; replaces isoleucine 628 with asparagine.
Molecular consequence: missense variant.
Genome position (GRCh38, 1-based): chr2:17,781,095, T>A. VCF-style: chr2-17781095-T-A. GRCh37 (hg19) VCF-style: chr2-17962362-T-A.
Other names: c.1883T>A, p.Ile628Asn (NM_182625.5); short protein forms I628N.
Identifiers: ClinVar variation 3519728 (VCV003519728.1).

ClinVar aggregate classification (germline): Uncertain significance (1 of 4 stars; one submission).

gnomAD v4.1: 42 of 1,613,676 alleles (0.0026%); highest among the groups gnomAD compares: Non-Finnish European, 0.0036%; no homozygotes.

Submission:

Ambry Genetics
Classification: Uncertain significance. Last evaluated: 2024-11-22. Review status: criteria provided, single submitter. Criteria: Ambry Variant Classification Scheme 2023. Collection method: clinical testing. Allele origin: germline.
Comment: The p.I628N variant (also known as c.1883T>A), located in coding exon 13 of the GEN1 gene, results from a T to A substitution at nucleotide position 1883. The isoleucine at codon 628 is replaced by asparagine, an amino acid with dissimilar properties. This amino acid position is conserved. In addition, this alteration is predicted to be tolerated by in silico analysis. Based on the available evidence, the clinical significance of this variant remains unclear.